The following is an entry in ClinVar:

ClinVar aggregate classification (germline): Uncertain significance (1 of 4 stars; one submission).

Conditions:
Capillary malformation-arteriovenous malformation syndrome. Also called: Capillary malformation-arteriovenous malformation. Identifiers: Orphanet 137667, MedGen C1842180, MONDO:0012016.

gnomAD v4.1: 1 of 1,612,982 alleles (0.000062%); highest among the groups gnomAD compares: South Asian, 0.0011%; no homozygotes.

Submission:

Labcorp Genetics (formerly Invitae), Labcorp
Classification: Uncertain significance for Capillary malformation-arteriovenous malformation syndrome. Last evaluated: 2025-08-31. Review status: criteria provided, single submitter. Criteria: Invitae Variant Classification Sherloc (09022015). Collection method: clinical testing. Allele origin: germline.
Comment: This sequence change replaces isoleucine, which is neutral and non-polar, with valine, which is neutral and non-polar, at codon 851 of the RASA1 protein (p.Ile851Val). This variant is not present in population databases (gnomAD no frequency). This variant has not been reported in the literature in individuals affected with RASA1-related conditions. An algorithm developed to predict the effect of missense changes on protein structure and function (PolyPhen-2) suggests that this variant is likely to be tolerated. In summary, the available evidence is currently insufficient to determine the role of this variant in disease. Therefore, it has been classified as a Variant of Uncertain Significance.

NM_002890.3(RASA1):c.2551A>G (p.Ile851Val)

Genes: CCNH (cyclin H; minus strand), RASA1 (RAS p21 protein activator 1; plus strand). Cytogenetic location: 5q14.3.
Variant type: single nucleotide variant.
Coding change: c.2551A>G on transcript NM_002890.3 (MANE Select); coding-DNA position 2551, A replaced by G.
Protein change: p.Ile851Val; replaces isoleucine 851 with valine.
Molecular consequence: missense variant. On other transcripts: intron variant (1).
Genome position (GRCh38, 1-based): chr5:87,379,798, A>G. VCF-style: chr5-87379798-A-G. GRCh37 (hg19) VCF-style: chr5-86675615-A-G.
Other names: c.2020A>G, p.Ile674Val (NM_022650.3); c.933+15246T>C (NM_001364075.2); short protein forms I851V, I674V.
Identifiers: ClinVar variation 4742216 (VCV004742216.1).